The following is an entry in ClinVar:

ClinVar aggregate classification (germline): Uncertain significance (1 of 4 stars; one submission).

Conditions:
Short-rib thoracic dysplasia 14 with polydactyly (SRTD14). Identifiers: Orphanet 397715, MedGen C4225286, MONDO:0014688, OMIM 616546.
Joubert syndrome 23 (JBTS23). Identifiers: Orphanet 475, MedGen C4084822, MONDO:0014664, OMIM 616490.

Allele frequency attached by ClinVar (database versions not stated): gnomAD exomes below 0.00001.
gnomAD v4.1: 1 of 1,607,766 alleles (0.000062%); highest among the groups gnomAD compares: South Asian, 0.0011%; no homozygotes.

Submission:

Labcorp Genetics (formerly Invitae), Labcorp
Classification: Uncertain significance for Joubert syndrome 23; Short-rib thoracic dysplasia 14 with polydactyly. Last evaluated: 2021-10-20. Review status: criteria provided, single submitter. Criteria: Invitae Variant Classification Sherloc (09022015). Collection method: clinical testing. Allele origin: germline.
Comment: This sequence change replaces asparagine with serine at codon 523 of the KIAA0586 protein (p.Asn523Ser). The asparagine residue is moderately conserved and there is a small physicochemical difference between asparagine and serine. This variant is not present in population databases (ExAC no frequency). This variant has not been reported in the literature in individuals affected with KIAA0586-related conditions. Algorithms developed to predict the effect of missense changes on protein structure and function output the following: SIFT: "Tolerated"; PolyPhen-2: "Benign"; Align-GVGD: "Class C0". The serine amino acid residue is found in multiple mammalian species, which suggests that this missense change does not adversely affect protein function. In summary, the available evidence is currently insufficient to determine the role of this variant in disease. Therefore, it has been classified as a Variant of Uncertain Significance.

NM_001329943.3(KIAA0586):c.1409A>G (p.Asn470Ser)

Gene: KIAA0586 (KIAA0586; plus strand). Cytogenetic location: 14q23.1.
Variant type: single nucleotide variant.
Coding change: c.1409A>G on transcript NM_001329943.3 (MANE Select); coding-DNA position 1409, A replaced by G.
Protein change: p.Asn470Ser; replaces asparagine 470 with serine.
Molecular consequence: missense variant.
Genome position (GRCh38, 1-based): chr14:58,457,805, A>G. VCF-style: chr14-58457805-A-G. GRCh37 (hg19) VCF-style: chr14-58924523-A-G.
Other names: c.1568A>G, p.Asn523Ser (NM_001244189.2); c.1364A>G, p.Asn455Ser (NM_001244190.2); c.1154A>G, p.Asn385Ser (NM_001244191.2, NM_001329945.2, NM_001364700.1 and 1 more transcripts); c.1277A>G, p.Asn426Ser (NM_001244192.2); c.989A>G, p.Asn330Ser (NM_001244193.2); c.1409A>G, p.Asn470Ser (NM_001329944.2, NM_001329946.2, NM_001329947.2 and 1 more transcripts); short protein forms N455S, N330S, N426S, N385S, N470S, N523S.
Identifiers: ClinVar variation 1345772 (VCV001345772.6), dbSNP rs1245858530, ClinGen allele CA389868248.